The following is an entry in ClinVar:

NM_015971.4(MRPS7):c.294G>A (p.Met98Ile)

Gene: MRPS7 (mitochondrial ribosomal protein S7; plus strand). Cytogenetic location: 17q25.1.
Variant type: single nucleotide variant.
Coding change: c.294G>A on transcript NM_015971.4 (MANE Select); coding-DNA position 294, G replaced by A.
Protein change: p.Met98Ile; replaces methionine 98 with isoleucine.
Molecular consequence: missense variant.
Genome position (GRCh38, 1-based): chr17:75,262,822, G>A. VCF-style: chr17-75262822-G-A. GRCh37 (hg19) VCF-style: chr17-73258903-G-A.
Other names: c.294G>A (NM_015971.3); short protein forms M98I.
Identifiers: ClinVar variation 1935433 (VCV001935433.6), dbSNP rs770835857, ClinGen allele CA8760342.

ClinVar aggregate classification (germline): Uncertain significance. Review status: criteria provided, multiple submitters, no conflicts (2 of 4 stars). 2 submissions from 2 submitters: Uncertain significance (2). Last evaluated 2025-01-04.

Allele frequency attached by ClinVar (database versions not stated): TOPMed below 0.00001; ExAC 0.00002.

Submissions (2):

Ambry Genetics
Classification: Uncertain significance. Last evaluated: 2025-01-04. Review status: criteria provided, single submitter. Criteria: Ambry Variant Classification Scheme 2023. Collection method: clinical testing. Allele origin: germline.

Labcorp Genetics (formerly Invitae), Labcorp
Classification: Uncertain significance. Last evaluated: 2022-07-19. Review status: criteria provided, single submitter. Criteria: Invitae Variant Classification Sherloc (09022015). Collection method: clinical testing. Allele origin: germline.
Comment: This sequence change replaces methionine, which is neutral and non-polar, with isoleucine, which is neutral and non-polar, at codon 98 of the MRPS7 protein (p.Met98Ile). This variant is present in population databases (rs770835857, gnomAD 0.006%). This variant has not been reported in the literature in individuals affected with MRPS7-related conditions. Algorithms developed to predict the effect of missense changes on protein structure and function output the following: SIFT: "Tolerated"; PolyPhen-2: "Benign"; Align-GVGD: "Class C0". The isoleucine amino acid residue is found in multiple mammalian species, which suggests that this missense change does not adversely affect protein function. In summary, the available evidence is currently insufficient to determine the role of this variant in disease. Therefore, it has been classified as a Variant of Uncertain Significance.